The following is an entry in ClinVar:

ClinVar aggregate classification (germline): Uncertain significance (1 of 4 stars; one submission).

Submission:

Ambry Genetics
Classification: Uncertain significance. Last evaluated: 2022-06-11. Review status: criteria provided, single submitter. Criteria: Ambry Variant Classification Scheme 2023. Collection method: clinical testing. Allele origin: germline.
Comment: The p.T364A variant (also known as c.1090A>G), located in coding exon 12 of the NPAT gene, results from an A to G substitution at nucleotide position 1090. The threonine at codon 364 is replaced by alanine, an amino acid with similar properties. This amino acid position is conserved. In addition, this alteration is predicted to be tolerated by in silico analysis. Since supporting evidence is limited at this time, the clinical significance of this alteration remains unclear.

NM_002519.3(NPAT):c.1090A>G (p.Thr364Ala)

Gene: NPAT (nuclear protein, coactivator of histone transcription; minus strand). Cytogenetic location: 11q22.3.
Variant type: single nucleotide variant.
Coding change: c.1090A>G on transcript NM_002519.3 (MANE Select); coding-DNA position 1090, A replaced by G.
Protein change: p.Thr364Ala; replaces threonine 364 with alanine.
Molecular consequence: missense variant.
Genome position (GRCh38, 1-based): chr11:108,176,288, T>C on the plus strand (A>G on the coding strand, the complement: NPAT is on the minus strand). VCF-style: chr11-108176288-T-C. GRCh37 (hg19) VCF-style: chr11-108047015-T-C.
Other names: c.1090A>G, p.Thr364Ala (NM_001321307.1); short protein forms T364A.
Identifiers: ClinVar variation 1789149 (VCV001789149.2), dbSNP rs2496725713, ClinGen allele CA382516763.